The following is an entry in ClinVar:

ClinVar aggregate classification (germline): Uncertain significance. Review status: criteria provided, multiple submitters, no conflicts (2 of 4 stars). 4 submissions from 4 submitters: Uncertain significance (4). Last evaluated 2025-03-04.

Conditions:
Hereditary cancer-predisposing syndrome. Also called: Hereditary Cancer Syndrome; Hereditary neoplastic syndrome; Neoplastic Syndromes, Hereditary; Tumor predisposition. Identifiers: Orphanet 140162, MedGen C0027672, MeSH D009386, MONDO:0015356.

Allele frequency attached by ClinVar (database versions not stated): ExAC 0.00001; gnomAD exomes 0.00002; TOPMed 0.00002.
gnomAD v4.1: 21 of 1,613,790 alleles (0.0013%); highest among the groups gnomAD compares: South Asian, 0.0044%; no homozygotes.

Submissions (4):

Center for Genomic Medicine, Rigshospitalet, Copenhagen University Hospital
Classification: Uncertain significance. Last evaluated: 2025-03-04. Review status: criteria provided, single submitter. Criteria: ACMG Guidelines, 2015. Collection method: clinical testing. Allele origin: germline.

GeneDx
Classification: Uncertain significance. Last evaluated: 2025-01-21. Review status: criteria provided, single submitter. Criteria: GeneDx Variant Classification Process June 2021. Collection method: clinical testing. Allele origin: germline. Affected: yes.
Comment: In silico analysis supports that this missense variant has a deleterious effect on protein structure/function; Has not been previously published as pathogenic or benign to our knowledge; This variant is associated with the following publications: (PMID: 29056344)

Ambry Genetics
Classification: Uncertain significance for Hereditary cancer-predisposing syndrome. Last evaluated: 2024-12-30. Review status: criteria provided, single submitter. Criteria: Ambry Variant Classification Scheme 2023. Collection method: clinical testing. Allele origin: germline.
Comment: The p.R1823H variant (also known as c.5468G>A), located in coding exon 40 of the POLE gene, results from a G to A substitution at nucleotide position 5468. The arginine at codon 1823 is replaced by histidine, an amino acid with highly similar properties. This amino acid position is highly conserved in available vertebrate species. In addition, this alteration is predicted to be deleterious by in silico analysis. Based on the available evidence, the clinical significance of this variant remains unclear.

Labcorp Genetics (formerly Invitae), Labcorp
Classification: Uncertain significance. Last evaluated: 2024-12-18. Review status: criteria provided, single submitter. Criteria: Invitae Variant Classification Sherloc (09022015). Collection method: clinical testing. Allele origin: germline.
Comment: This sequence change replaces arginine, which is basic and polar, with histidine, which is basic and polar, at codon 1823 of the POLE protein (p.Arg1823His). This variant is present in population databases (rs767747669, gnomAD 0.005%). This variant has not been reported in the literature in individuals affected with POLE-related conditions. ClinVar contains an entry for this variant (Variation ID: 405793). Invitae Evidence Modeling of protein sequence and biophysical properties (such as structural, functional, and spatial information, amino acid conservation, physicochemical variation, residue mobility, and thermodynamic stability) indicates that this missense variant is not expected to disrupt POLE protein function with a negative predictive value of 80%. In summary, the available evidence is currently insufficient to determine the role of this variant in disease. Therefore, it has been classified as a Variant of Uncertain Significance.

NM_006231.4(POLE):c.5468G>A (p.Arg1823His)

Gene: POLE (DNA polymerase epsilon, catalytic subunit; minus strand). Cytogenetic location: 12q24.33.
Variant type: single nucleotide variant.
Coding change: c.5468G>A on transcript NM_006231.4 (MANE Select); coding-DNA position 5468, G replaced by A.
Protein change: p.Arg1823His; replaces arginine 1823 with histidine.
Molecular consequence: missense variant.
Genome position (GRCh38, 1-based): chr12:132,639,209, C>T on the plus strand (G>A on the coding strand, the complement: POLE is on the minus strand). VCF-style: chr12-132639209-C-T. GRCh37 (hg19) VCF-style: chr12-133215795-C-T.
Other names: short protein forms R1823H.
Identifiers: ClinVar variation 405793 (VCV000405793.14), dbSNP rs767747669, ClinGen allele CA6892517.
Genomic context (GRCh38, chr12:132,639,209, plus strand): 5'-TTGTGGAGTGTGCGGTGCAGGGCAGGGTCATGAAGCAGAGAGGATGGCGACCGAAGCCAG[C>T]GGTAGAAGTGCATCACCTGGTTGTCTGCATAGATGTTGTGGTACTGGGTGATCTCCTTCA-3'
Protein context (NP_006222.2, residues 1813-1833): YADNQVMHFY[Arg1823His]WLRSPSSLLH